The following is an entry in ClinVar:

ClinVar aggregate classification (germline): Uncertain significance (1 of 4 stars; one submission).

gnomAD v4.1: 26 of 1,608,254 alleles (0.0016%); highest among the groups gnomAD compares: South Asian, 0.0022%; no homozygotes.

Submission:

Labcorp Genetics (formerly Invitae), Labcorp
Classification: Uncertain significance. Last evaluated: 2025-01-28. Review status: criteria provided, single submitter. Criteria: Invitae Variant Classification Sherloc (09022015). Collection method: clinical testing. Allele origin: germline.
Comment: This sequence change replaces aspartic acid, which is acidic and polar, with asparagine, which is neutral and polar, at codon 356 of the ACAN protein (p.Asp356Asn). This variant is not present in population databases (gnomAD no frequency). This variant has not been reported in the literature in individuals affected with ACAN-related conditions. Invitae Evidence Modeling of protein sequence and biophysical properties (such as structural, functional, and spatial information, amino acid conservation, physicochemical variation, residue mobility, and thermodynamic stability) indicates that this missense variant is not expected to disrupt ACAN protein function with a negative predictive value of 80%. In summary, the available evidence is currently insufficient to determine the role of this variant in disease. Therefore, it has been classified as a Variant of Uncertain Significance.

NM_001369268.1(ACAN):c.1066G>A (p.Asp356Asn)

Gene: ACAN (aggrecan; plus strand). Cytogenetic location: 15q26.1.
Variant type: single nucleotide variant.
Coding change: c.1066G>A on transcript NM_001369268.1 (MANE Select); coding-DNA position 1066, G replaced by A.
Protein change: p.Asp356Asn; replaces aspartic acid 356 with asparagine.
Molecular consequence: missense variant.
Genome position (GRCh38, 1-based): chr15:88,845,519, G>A. VCF-style: chr15-88845519-G-A. GRCh37 (hg19) VCF-style: chr15-89388750-G-A.
Other names: c.1066G>A, p.Asp356Asn (NM_001135.4, NM_001411096.1, NM_001411097.1 and 1 more transcripts); short protein forms D356N.
Identifiers: ClinVar variation 3702309 (VCV003702309.2).